The following is an entry in ClinVar:

NM_153717.3(EVC):c.2668del (p.Gln890fs)

Gene: EVC (EvC ciliary complex subunit 1; plus strand). Cytogenetic location: 4p16.2.
Variant type: Deletion.
Coding change: c.2668del on transcript NM_153717.3 (MANE Select); coding-DNA position 2668, one base deleted (C; older notation c.2668delC).
Protein change: p.Gln890fs; shifts the reading frame from glutamine 890.
Molecular consequence: frameshift variant.
Genome position (GRCh38, 1-based): chr4:5,808,307, C deleted; the last of 3 consecutive C bases (chr4:5,808,305-5,808,307); deleting any one gives the same sequence. VCF-style (leftmost placement, unchanged base first): chr4-5808304-GC-G. GRCh37 (hg19) VCF-style: chr4-5810031-GC-G.
Other names: c.2668del, p.Gln890fs (NM_001306090.2); short protein forms Q890fs.
Identifiers: ClinVar variation 551079 (VCV000551079.3), dbSNP rs1553895755, ClinGen allele CA658821640.
Genomic context (GRCh38, chr4:5,808,304, plus strand): 5'-CACCAGCAGATGCGTCTGCACGCCCAGCAGCAGCAGGCAGGAGTCATGGACCTTCTGGAA[GC>G]CCAGCTGGAGACCCAGCTACAGGTACAAGTTACAGAACTGGACCTTCCAAAAGCAGTGGT-3'

ClinVar aggregate classification (germline): Likely pathogenic. Review status: criteria provided, single submitter (1 of 4 stars). 2 submissions from 2 submitters: Likely pathogenic (1). 1 of the submissions does not count toward it. Last evaluated 2024-09-04.

Conditions:
Ellis-van Creveld syndrome (EVC). Also called: EVC2-Related Ellis-van Creveld Syndrome; EVC-Related Ellis-van Creveld Syndrome; MESOECTODERMAL DYSPLASIA; Chondroectodermal dysplasia. Identifiers: Orphanet 289, MedGen C0013903, MONDO:0009162, OMIM 225500.

Submissions (2):

Natera, Inc.
Classification: Likely pathogenic for Ellis-van Creveld syndrome. Last evaluated: 2024-09-04. Review status: criteria provided, single submitter. Criteria: Natera Variant Classification Schema (03/2026). Collection method: clinical testing. Allele origin: germline.
Comment: The c.2668delC variant in EVC is a frameshift variant predicted to shift the reading frame beginning at codon 890 and leads to a stop codon 38 codons downstream. This variant is expected to result in nonsense mediated decay, truncation, or a dysfunctional protein product. This variant is rare in the general population with a frequency below the threshold expected for the associated phenotype(s). Given the available evidence, this variant is classified as Likely Pathogenic.

Counsyl
Classification: Likely pathogenic for Ellis-van Creveld syndrome. Last evaluated: 2017-03-23. Review status: no assertion criteria provided. Collection method: clinical testing. Allele origin: unknown. Not counted in ClinVar's aggregate classification.